The following is an entry in ClinVar:

ClinVar aggregate classification (germline): Uncertain significance. Review status: criteria provided, multiple submitters, no conflicts (2 of 4 stars). 2 submissions from 2 submitters: Uncertain significance (2). Last evaluated 2025-08-07.

Conditions:
Inborn genetic diseases. Identifiers: MedGen C0950123, MeSH D030342.
Propionic acidemia (PROP). Also called: GLYCINEMIA, KETOTIC; HYPERGLYCINEMIA WITH KETOACIDOSIS AND LEUKOPENIA; KETOTIC HYPERGLYCINEMIA. Identifiers: Orphanet 35, MedGen C0268579, MONDO:0011628, OMIM 606054, HP:0003571.

Submissions (2):

Ambry Genetics
Classification: Uncertain significance for Inborn genetic diseases. Last evaluated: 2025-08-07. Review status: criteria provided, single submitter. Criteria: Ambry Variant Classification Scheme 2023. Collection method: clinical testing. Allele origin: germline.

Labcorp Genetics (formerly Invitae), Labcorp
Classification: Uncertain significance for Propionic acidemia. Last evaluated: 2021-08-24. Review status: criteria provided, single submitter. Criteria: Invitae Variant Classification Sherloc (09022015). Collection method: clinical testing. Allele origin: germline.
Comment: This sequence change replaces leucine with arginine at codon 382 of the PCCA protein (p.Leu382Arg). The leucine residue is highly conserved and there is a moderate physicochemical difference between leucine and arginine. This variant is not present in population databases (ExAC no frequency). This variant has not been reported in the literature in individuals affected with PCCA-related conditions. Advanced modeling of protein sequence and biophysical properties (such as structural, functional, and spatial information, amino acid conservation, physicochemical variation, residue mobility, and thermodynamic stability) performed at Invitae indicates that this missense variant is expected to disrupt PCCA protein function. In summary, the available evidence is currently insufficient to determine the role of this variant in disease. Therefore, it has been classified as a Variant of Uncertain Significance.

NM_000282.4(PCCA):c.1145T>G (p.Leu382Arg)

Gene: PCCA (propionyl-CoA carboxylase subunit alpha; plus strand). Cytogenetic location: 13q32.3.
Variant type: single nucleotide variant.
Coding change: c.1145T>G on transcript NM_000282.4 (MANE Select); coding-DNA position 1145, T replaced by G.
Protein change: p.Leu382Arg; replaces leucine 382 with arginine.
Molecular consequence: missense variant. On other transcripts: non-coding transcript variant (5), intron variant (3).
Genome position (GRCh38, 1-based): chr13:100,301,539, T>G. VCF-style: chr13-100301539-T-G. GRCh37 (hg19) VCF-style: chr13-100953793-T-G.
Other names: c.1145T>G (NM_000282.3); c.1067T>G, p.Leu356Arg (NM_001127692.3, NM_001352607.2); c.1145T>G, p.Leu382Arg (NM_001178004.2, NM_001352605.2, NM_001352609.2); c.200T>G, p.Leu67Arg (NM_001352610.2, NM_001352611.2); c.1066-1385T>G (NM_001352606.2); c.121-1385T>G (NM_001352612.2); c.988-1385T>G (NM_001352608.2); short protein forms L382R, L67R, L356R.
Identifiers: ClinVar variation 1936460 (VCV001936460.3), dbSNP rs2548113504, ClinGen allele CA388695263.